The following is an entry in ClinVar:

ClinVar aggregate classification (germline): Likely benign (0 of 4 stars; one submission).

Conditions:
CUL4B-related disorder. Also called: CUL4B-related condition.

Allele frequency attached by ClinVar (database versions not stated): gnomAD exomes below 0.00001; gnomAD 0.00001; TOPMed 0.00002.
gnomAD v4.1: 2 of 1,202,259 alleles (0.00017%); highest among the groups gnomAD compares: African/African-American, 0.0017%; no homozygotes.

Submission:

PreventionGenetics, part of Exact Sciences
Classification: Likely benign for CUL4B-related condition. Last evaluated: 2022-07-06. Review status: no assertion criteria provided. Collection method: clinical testing. Allele origin: germline.
Comment: This variant is classified as likely benign based on ACMG/AMP sequence variant interpretation guidelines (Richards et al. 2015 PMID: 25741868, with internal and published modifications).

NM_001079872.2(CUL4B):c.708A>G (p.Ala236=)

Gene: CUL4B (cullin 4B; minus strand). Cytogenetic location: Xq24.
Variant type: single nucleotide variant.
Coding change: c.708A>G on transcript NM_001079872.2 (MANE Select); coding-DNA position 708, A replaced by G.
Protein change: p.Ala236=; no amino-acid change (alanine 236 retained).
Molecular consequence: synonymous variant.
Genome position (GRCh38, 1-based): chrX:120,547,204, T>C on the plus strand (A>G on the coding strand, the complement: CUL4B is on the minus strand). VCF-style: chrX-120547204-T-C. GRCh37 (hg19) VCF-style: chrX-119681059-T-C.
Other names: c.723A>G, p.Ala241= (NM_001330624.2); c.174A>G, p.Ala58= (NM_001369145.1); c.762A>G, p.Ala254= (NM_003588.4).
Identifiers: ClinVar variation 3032873 (VCV003032873.2), dbSNP rs1358359776, ClinGen allele CA518226749.